The following is an entry in ClinVar:

ClinVar aggregate classification (germline): Uncertain significance (1 of 4 stars; one submission).

Allele frequency attached by ClinVar (database versions not stated): gnomAD 0.00001; gnomAD exomes 0.00001; TOPMed 0.00001.
gnomAD v4.1: 13 of 1,533,792 alleles (0.00085%); highest among the groups gnomAD compares: East Asian, 0.0024%; no homozygotes.

Submission:

CeGaT Center for Human Genetics Tuebingen
Classification: Uncertain significance. Last evaluated: 2023-05-01. Review status: criteria provided, single submitter. Criteria: CeGaT Center For Human Genetics Tuebingen Variant Classification Criteria Version 2. Collection method: clinical testing. Allele origin: germline. Affected: yes. Observed: 1 variant allele.
Comment: FOXP1: PM2:Supporting

NM_001349338.3(FOXP1):c.1652+436G>A

Gene: FOXP1 (forkhead box P1; minus strand). Cytogenetic location: 3p13.
Variant type: single nucleotide variant.
Coding change: c.1652+436G>A on transcript NM_001349338.3 (MANE Select); 436 bases into the intron after coding-DNA position 1652, G replaced by A.
Molecular consequence: intron variant. On other transcripts: missense variant (1).
Genome position (GRCh38, 1-based): chr3:70,972,119, C>T on the plus strand (G>A on the coding strand, the complement: FOXP1 is on the minus strand). VCF-style: chr3-70972119-C-T. GRCh37 (hg19) VCF-style: chr3-71021270-C-T.
Other names: c.1592G>A, p.Gly531Glu (NM_001244810.2); c.1652+436G>A (NM_032682.6, NM_001349340.3, NM_001244816.2 and 1 more transcripts); c.1649+436G>A (NM_001349341.3, NM_001244808.3); c.1424+436G>A (NM_001244812.3); c.1349+436G>A (NM_001349343.3, NM_001349337.2, NM_001370548.1 and 1 more transcripts); c.1352+436G>A (NM_001349342.3, NM_001244815.2, NM_001244813.3); short protein forms G531E.
Identifiers: ClinVar variation 2653966 (VCV002653966.24), dbSNP rs1347921620, ClinGen allele CA353491132.